The following is an entry in ClinVar:

NM_001008537.3(NEXMIF):c.1393C>T (p.Arg465Trp)

Gene: NEXMIF (neurite extension and migration factor; minus strand). Cytogenetic location: Xq13.3.
Variant type: single nucleotide variant.
Coding change: c.1393C>T on transcript NM_001008537.3 (MANE Select); coding-DNA position 1393, C replaced by T.
Protein change: p.Arg465Trp; replaces arginine 465 with tryptophan.
Molecular consequence: missense variant.
Genome position (GRCh38, 1-based): chrX:74,743,164, G>A on the plus strand (C>T on the coding strand, the complement: NEXMIF is on the minus strand). VCF-style: chrX-74743164-G-A. GRCh37 (hg19) VCF-style: chrX-73962999-G-A.
Other names: short protein forms R465W.
Identifiers: ClinVar variation 4803405 (VCV004803405.1).
Genomic context (GRCh38, chrX:74,743,164, plus strand): 5'-TTCTCTTGGCTCGCAGCCCATAGTTCTGTTGGGAGGAGGAGCTGCCAGAATTAGTGTCCC[G>A]AGCCATATAGCGACTACAGTCCTTGATCTCACCCATAGCATCATATGAGATCTCAATGAA-3'
Protein context (NP_001008537.1, residues 455-475): EIKDCSRYMA[Arg465Trp]DTNSGSSSSQ

ClinVar aggregate classification (germline): Uncertain significance (1 of 4 stars; one submission).

gnomAD v4.1: 2 of 1,210,620 alleles (0.00017%); highest among the groups gnomAD compares: Non-Finnish European, 0.00022%; no homozygotes.

Submission:

Labcorp Genetics (formerly Invitae), Labcorp
Classification: Uncertain significance. Last evaluated: 2025-07-29. Review status: criteria provided, single submitter. Criteria: Invitae Variant Classification Sherloc (09022015). Collection method: clinical testing. Allele origin: germline.
Comment: This sequence change replaces arginine, which is basic and polar, with tryptophan, which is neutral and slightly polar, at codon 465 of the NEXMIF protein (p.Arg465Trp). This variant is not present in population databases (gnomAD no frequency). This variant has not been reported in the literature in individuals affected with NEXMIF-related conditions. An algorithm developed to predict the effect of missense changes on protein structure and function (PolyPhen-2) suggests that this variant is likely to be disruptive. In summary, the available evidence is currently insufficient to determine the role of this variant in disease. Therefore, it has been classified as a Variant of Uncertain Significance.